The following is an entry in ClinVar:

ClinVar aggregate classification (germline): Uncertain significance. Review status: criteria provided, multiple submitters, no conflicts (2 of 4 stars). 2 submissions from 2 submitters: Uncertain significance (2). Last evaluated 2025-11-19.

Conditions:
Inborn genetic diseases. Identifiers: MedGen C0950123, MeSH D030342.

gnomAD v4.1: 12 of 1,613,520 alleles (0.00074%); highest among the groups gnomAD compares: Middle Eastern, 0.016%; no homozygotes.

Submissions (2):

Labcorp Genetics (formerly Invitae), Labcorp
Classification: Uncertain significance. Last evaluated: 2025-11-19. Review status: criteria provided, single submitter. Criteria: Invitae Variant Classification Sherloc (09022015). Collection method: clinical testing. Allele origin: germline.
Comment: This sequence change replaces arginine, which is basic and polar, with tryptophan, which is neutral and slightly polar, at codon 522 of the ROBO1 protein (p.Arg522Trp). This variant is present in population databases (rs775047691, gnomAD 0.008%). This variant has not been reported in the literature in individuals affected with ROBO1-related conditions. ClinVar contains an entry for this variant (Variation ID: 3790079). Invitae Evidence Modeling of protein sequence and biophysical properties (such as structural, functional, and spatial information, amino acid conservation, physicochemical variation, residue mobility, and thermodynamic stability) indicates that this missense variant is not expected to disrupt ROBO1 protein function with a negative predictive value of 95%. In summary, the available evidence is currently insufficient to determine the role of this variant in disease. Therefore, it has been classified as a Variant of Uncertain Significance.

Ambry Genetics
Classification: Uncertain significance for Inborn genetic diseases. Last evaluated: 2025-01-18. Review status: criteria provided, single submitter. Criteria: Ambry Variant Classification Scheme 2023. Collection method: clinical testing. Allele origin: germline.

NM_002941.4(ROBO1):c.1564C>T (p.Arg522Trp)

Gene: ROBO1 (roundabout guidance receptor 1; minus strand). Cytogenetic location: 3p12.3.
Variant type: single nucleotide variant.
Coding change: c.1564C>T on transcript NM_002941.4 (MANE Select); coding-DNA position 1564, C replaced by T.
Protein change: p.Arg522Trp; replaces arginine 522 with tryptophan.
Molecular consequence: missense variant.
Genome position (GRCh38, 1-based): chr3:78,668,550, G>A on the plus strand (C>T on the coding strand, the complement: ROBO1 is on the minus strand). VCF-style: chr3-78668550-G-A. GRCh37 (hg19) VCF-style: chr3-78717700-G-A.
Other names: c.1456C>T, p.Arg486Trp (NM_001145845.2, NM_133631.4); short protein forms R486W, R522W.
Identifiers: ClinVar variation 3790079 (VCV003790079.2).